The following is an entry in ClinVar:

NM_001283009.2(RTEL1):c.419C>T (p.Ser140Phe)

Genes: RTEL1 (regulator of telomere elongation helicase 1; plus strand), RTEL1-TNFRSF6B (RTEL1-TNFRSF6B readthrough (NMD candidate); plus strand). Cytogenetic location: 20q13.33.
Variant type: single nucleotide variant.
Coding change: c.419C>T on transcript NM_001283009.2 (MANE Select); coding-DNA position 419, C replaced by T.
Protein change: p.Ser140Phe; replaces serine 140 with phenylalanine.
Molecular consequence: missense variant. On other transcripts: non-coding transcript variant (1), 5 prime UTR variant (1).
Genome position (GRCh38, 1-based): chr20:63,662,569, C>T. VCF-style: chr20-63662569-C-T. GRCh37 (hg19) VCF-style: chr20-62293922-C-T.
Other names: c.-251C>T (NM_001283010.1); c.419C>T, p.Ser140Phe (NM_016434.4); c.491C>T, p.Ser164Phe (NM_032957.5); short protein forms S140F, S164F.
Identifiers: ClinVar variation 4157694 (VCV004157694.1).
Genomic context (GRCh38, chr20:63,662,569, plus strand): 5'-CAGCTCCTCCTCGACCCACGGTGCTCTCTCCCACCAGGCCTAAGGTGTGTGTGCTGGGCT[C>T]CCGGGAGCAGCTGTGCATCCATCCTGAGGTGAAGAAACAAGAGAGTAACCATCTACAGGT-3'
Protein context (NP_001269938.1, residues 130-150): SYRPKVCVLG[Ser140Phe]REQLCIHPEV

ClinVar aggregate classification (germline): Uncertain significance (1 of 4 stars; one submission).

Conditions:
Inborn genetic diseases. Identifiers: MedGen C0950123, MeSH D030342.

gnomAD v4.1: 1 of 1,614,058 alleles (0.000062%); highest among the groups gnomAD compares: South Asian, 0.0011%; no homozygotes.

Submission:

Ambry Genetics
Classification: Uncertain significance for Inborn genetic diseases. Last evaluated: 2025-08-23. Review status: criteria provided, single submitter. Criteria: Ambry Variant Classification Scheme 2023. Collection method: clinical testing. Allele origin: germline.
Comment: The p.S140F variant (also known as c.419C>T), located in coding exon 4 of the RTEL1 gene, results from a C to T substitution at nucleotide position 419. The serine at codon 140 is replaced by phenylalanine, an amino acid with highly dissimilar properties. This amino acid position is conserved. In addition, this alteration is predicted to be deleterious by in silico analysis. Based on the available evidence, the clinical significance of this variant remains unclear.